The following is an entry in ClinVar:

NM_001378454.1(ALMS1):c.9419A>G (p.Gln3140Arg)

Gene: ALMS1 (ALMS1 centrosome and basal body associated protein; plus strand). Cytogenetic location: 2p13.1.
Variant type: single nucleotide variant.
Coding change: c.9419A>G on transcript NM_001378454.1 (MANE Select); coding-DNA position 9419, A replaced by G.
Protein change: p.Gln3140Arg; replaces glutamine 3140 with arginine.
Molecular consequence: missense variant.
Genome position (GRCh38, 1-based): chr2:73,491,378, A>G. VCF-style: chr2-73491378-A-G. GRCh37 (hg19) VCF-style: chr2-73718505-A-G.
Other names: c.9422A>G, p.Gln3141Arg (NM_015120.4); short protein forms Q3140R, Q3141R.
Identifiers: ClinVar variation 1766912 (VCV001766912.2), dbSNP rs1672982680, ClinGen allele CA347274854.
Genomic context (GRCh38, chr2:73,491,378, plus strand): 5'-AATCTTCACTGGATTTCCAAGTCGTACAGCCTTCTCTTCCAGACAGTAACACTATTACTC[A>G]GGACTTGAAAACCATACCTTCTCAGAATAGCCAGATAGTAACCTCCAGGCAAATACAAGT-3'
Protein context (NP_001365383.1, residues 3130-3150): PSLPDSNTIT[Gln3140Arg]DLKTIPSQNS

ClinVar aggregate classification (germline): Uncertain significance (1 of 4 stars; one submission).

Conditions:
Cardiovascular phenotype. Identifiers: MedGen CN230736.

Allele frequency attached by ClinVar (database versions not stated): gnomAD exomes below 0.00001; TOPMed below 0.00001; gnomAD 0.00001.
gnomAD v4.1: 3 of 1,614,050 alleles (0.00019%); highest among the groups gnomAD compares: Non-Finnish European, 0.00025%; no homozygotes.

Submission:

Ambry Genetics
Classification: Uncertain significance for Cardiovascular phenotype. Last evaluated: 2022-10-04. Review status: criteria provided, single submitter. Criteria: Ambry Variant Classification Scheme 2023. Collection method: clinical testing. Allele origin: germline.
Comment: The p.Q3141R variant (also known as c.9422A>G), located in coding exon 10 of the ALMS1 gene, results from an A to G substitution at nucleotide position 9422. The glutamine at codon 3141 is replaced by arginine, an amino acid with highly similar properties. This amino acid position is highly conserved in available vertebrate species. In addition, this alteration is predicted to be tolerated by in silico analysis. Since supporting evidence is limited at this time, the clinical significance of this alteration remains unclear.